The following is an entry in ClinVar:

ClinVar aggregate classification (germline): Uncertain significance (1 of 4 stars; one submission).

Conditions:
Arrhythmogenic right ventricular dysplasia 8 (ARVD8). Also called: Arrhythmogenic Right Ventricular Dysplasia/Cardiomyopathy 8; ARRHYTHMOGENIC RIGHT VENTRICULAR DYSPLASIA, FAMILIAL, 8; ARRHYTHMOGENIC RIGHT VENTRICULAR CARDIOMYOPATHY 8. Identifiers: MedGen C1843896, MONDO:0011831, OMIM 607450.
Arrhythmogenic cardiomyopathy with wooly hair and keratoderma. Also called: PALMOPLANTAR KERATODERMA WITH LEFT VENTRICULAR CARDIOMYOPATHY AND WOOLLY HAIR; Carvajal syndrome; Dilated cardiomyopathy with woolly hair and keratoderma; Arrhythmogenic cardiomyopathy with woolly hair and keratoderma. Identifiers: Orphanet 65282, MedGen C1854063, MONDO:0011581, OMIM 605676.

gnomAD v4.1: 1 of 1,614,112 alleles (0.000062%); highest among the groups gnomAD compares: African/African-American, 0.0013%; no homozygotes.

Submission:

Labcorp Genetics (formerly Invitae), Labcorp
Classification: Uncertain significance for Arrhythmogenic cardiomyopathy with wooly hair and keratoderma; Arrhythmogenic right ventricular dysplasia 8. Last evaluated: 2024-04-06. Review status: criteria provided, single submitter. Criteria: Invitae Variant Classification Sherloc (09022015). Collection method: clinical testing. Allele origin: germline.
Comment: This sequence change replaces threonine, which is neutral and polar, with serine, which is neutral and polar, at codon 1455 of the DSP protein (p.Thr1455Ser). This variant is not present in population databases (gnomAD no frequency). This variant has not been reported in the literature in individuals affected with DSP-related conditions. An algorithm developed to predict the effect of missense changes on protein structure and function (PolyPhen-2) suggests that this variant is likely to be tolerated. In summary, the available evidence is currently insufficient to determine the role of this variant in disease. Therefore, it has been classified as a Variant of Uncertain Significance.

NM_004415.4(DSP):c.4364C>G (p.Thr1455Ser)

Gene: DSP (desmoplakin; plus strand). Cytogenetic location: 6p24.3.
Variant type: single nucleotide variant.
Coding change: c.4364C>G on transcript NM_004415.4 (MANE Select); coding-DNA position 4364, C replaced by G.
Protein change: p.Thr1455Ser; replaces threonine 1455 with serine.
Molecular consequence: missense variant. On other transcripts: intron variant (2).
Genome position (GRCh38, 1-based): chr6:7,580,554, C>G. VCF-style: chr6-7580554-C-G. GRCh37 (hg19) VCF-style: chr6-7580787-C-G.
Other names: c.4050+314C>G (NM_001319034.2); c.3582+782C>G (NM_001008844.3); short protein forms T1455S.
Identifiers: ClinVar variation 3755722 (VCV003755722.2).
Genomic context (GRCh38, chr6:7,580,554, plus strand): 5'-CCACTGGCTCTGAGGTGTCTCAGAGGAAACAGCAGCTGGAGGTTGAGCTGAGACAAGTCA[C>G]TCAGATGCGAACAGAGGAGAGCGTAAGATATAAGCAATCTCTTGATGATGCTGCCAAAAC-3'
Protein context (NP_004406.2, residues 1445-1465): QQLEVELRQV[Thr1455Ser]QMRTEESVRY